The following is an entry in ClinVar:

ClinVar aggregate classification (germline): Pathogenic/Likely pathogenic. Review status: criteria provided, multiple submitters, no conflicts (2 of 4 stars). 5 submissions from 5 submitters: Pathogenic (4); Likely pathogenic (1). Last evaluated 2025-04-11.

Conditions:
Hereditary cancer-predisposing syndrome. Also called: Hereditary neoplastic syndrome; Hereditary Cancer Syndrome; Neoplastic Syndromes, Hereditary; Tumor predisposition. Identifiers: Orphanet 140162, MedGen C0027672, MeSH D009386, MONDO:0015356.
Birt-Hogg-Dube syndrome. Also called: Birt Hogg Dubé syndrome. Identifiers: Orphanet 122, MedGen C0346010, MONDO:0800444.

Submissions (5):

Ambry Genetics
Classification: Pathogenic for Hereditary cancer-predisposing syndrome. Last evaluated: 2025-04-11. Review status: criteria provided, single submitter. Criteria: Ambry Variant Classification Scheme 2023. Collection method: clinical testing. Allele origin: germline.
Comment: The c.521_527delCCATCAT variant, located in coding exon 3 of the FLCN gene, results from a deletion of 7 nucleotides at nucleotide positions 521 to 527, causing a translational frameshift with a predicted alternate stop codon (p.T174Rfs*47). This variant is considered to be rare based on population cohorts in the Genome Aggregation Database (gnomAD). This alteration is expected to result in loss of function by premature protein truncation or nonsense-mediated mRNA decay. As such, this alteration is interpreted as a disease-causing mutation.

Myriad Genetics, Inc.
Classification: Pathogenic for Birt-Hogg-Dube syndrome 1. Last evaluated: 2023-07-18. Review status: criteria provided, single submitter. Criteria: Myriad Autosomal Dominant, Autosomal Recessive and X-Linked Classification Criteria (2023). Collection method: clinical testing. Allele origin: unknown.
Comment: This variant is considered pathogenic. This variant creates a frameshift predicted to result in premature protein truncation.

Mayo Clinic Laboratories, Mayo Clinic
Classification: Likely pathogenic. Last evaluated: 2023-05-23. Review status: criteria provided, single submitter. Criteria: ACMG Guidelines, 2015. Collection method: clinical testing. Allele origin: germline. Observed: 1 variant allele.
Comment: PM2, PVS1

Labcorp Genetics (formerly Invitae), Labcorp
Classification: Pathogenic for Birt-Hogg-Dube syndrome. Last evaluated: 2020-01-13. Review status: criteria provided, single submitter. Criteria: Invitae Variant Classification Sherloc (09022015). Collection method: clinical testing. Allele origin: germline.
Comment: This sequence change creates a premature translational stop signal (p.Thr174Argfs*47) in the FLCN gene. It is expected to result in an absent or disrupted protein product. This variant is not present in population databases (ExAC no frequency). This variant has not been reported in the literature in individuals with FLCN-related conditions. ClinVar contains an entry for this variant (Variation ID: 426160). Loss-of-function variants in FLCN are known to be pathogenic (PMID: 15852235). For these reasons, this variant has been classified as Pathogenic.

GeneDx
Classification: Pathogenic. Last evaluated: 2017-04-28. Review status: criteria provided, single submitter. Criteria: GeneDx Variant Classification (06012015). Collection method: clinical testing. Allele origin: germline. Affected: yes.
Comment: The c.521_527delCCATCAT variant in the FLCN gene has not been published as a pathogenic variant, nor has it been reported as a benign variant to our knowledge. This deletion causes a frameshift starting with codon Threonine 174, changes this amino acid to an Arginine residue and creates a premature Stop codon at position 47 of the new reading frame, denoted p.Thr174ArgfsX47. This variant is predicted to cause loss of normal protein function either through protein truncation or nonsense-mediated mRNA decay. Based on currently available evidence, we consider c.521_527delCCATCAT to be pathogenic.

Literature cited by the submitters: PubMed 15852235 (cited by Labcorp Genetics (formerly Invitae), Labcorp).

NM_144997.7(FLCN):c.521_527del (p.Thr174fs)

Gene: FLCN (folliculin; minus strand). Cytogenetic location: 17p11.2.
Variant type: Deletion.
Coding change: c.521_527del on transcript NM_144997.7 (MANE Select); coding-DNA positions 521 to 527, 7 bases deleted (CCATCAT; older notation c.521_527delCCATCAT).
Protein change: p.Thr174fs; shifts the reading frame from threonine 174.
Molecular consequence: frameshift variant.
Genome position (GRCh38, 1-based): chr17:17,224,013-17,224,019, ATGATGG deleted on the plus strand (CCATCAT on the coding strand, the reverse complement: FLCN is on the minus strand). VCF-style (leftmost placement, unchanged base first): chr17-17224012-CATGATGG-C. GRCh37 (hg19) VCF-style: chr17-17127326-CATGATGG-C.
Other names: p.Thr174Argfs*47; c.521_527del (LRG_325t1, NM_144997.5); c.575_581del, p.Thr192fs (NM_001353229.2); c.521_527del, p.Thr174fs (NM_001353230.2, NM_001353231.2, NM_144606.7); short protein forms T174fs, T192fs.
Identifiers: ClinVar variation 426160 (VCV000426160.14), dbSNP rs1085307478, ClinGen allele CA645293898.